The following is an entry in ClinVar:

ClinVar aggregate classification (germline): Uncertain significance (1 of 4 stars; one submission).

Submission:

Dasa
Classification: Uncertain significance. Last evaluated: 2025-06-11. Review status: criteria provided, single submitter. Criteria: DASA Assertion Criteria. Collection method: clinical testing. Allele origin: germline.
Comment: NM_015557.3(CHD5):c.290A>G (p.Lys97Arg) is a missense variant that results in the substitution of lysine with arginine. This variant is rare in population databases. Computational prediction algorithms are consistent with a benign effect. The currently available literature and clinical evidence are not sufficient to establish a definitive association between this variant and the reported condition. Therefore, this variant is classified as a variant of uncertain significance.

NM_015557.3(CHD5):c.290A>G (p.Lys97Arg)

Gene: CHD5 (chromodomain helicase DNA binding protein 5; minus strand). Cytogenetic location: 1p36.31.
Variant type: single nucleotide variant.
Coding change: c.290A>G on transcript NM_015557.3 (MANE Select); coding-DNA position 290, A replaced by G.
Protein change: p.Lys97Arg; replaces lysine 97 with arginine.
Molecular consequence: missense variant.
Genome position (GRCh38, 1-based): chr1:6,159,433, T>C on the plus strand (A>G on the coding strand, the complement: CHD5 is on the minus strand). VCF-style: chr1-6159433-T-C. GRCh37 (hg19) VCF-style: chr1-6219493-T-C.
Other names: short protein forms K97R.
Identifiers: ClinVar variation 4881716 (VCV004881716.2).